The following is an entry in ClinVar:

ClinVar aggregate classification (germline): Uncertain significance (1 of 4 stars; one submission).

Conditions:
Emery-Dreifuss muscular dystrophy 5, autosomal dominant (EDMD5). Also called: EMERY-DREIFUSS MUSCULAR DYSTROPHY 5. Identifiers: Orphanet 261, MedGen C2751805, MONDO:0013072, OMIM 612999.

Allele frequency attached by ClinVar (database versions not stated): gnomAD exomes below 0.00001.
gnomAD v4.1: 1 of 1,614,176 alleles (0.000062%); highest among the groups gnomAD compares: African/African-American, 0.0013%; no homozygotes.

Submission:

Labcorp Genetics (formerly Invitae), Labcorp
Classification: Uncertain significance for Emery-Dreifuss muscular dystrophy 5, autosomal dominant. Last evaluated: 2022-09-13. Review status: criteria provided, single submitter. Criteria: Invitae Variant Classification Sherloc (09022015). Collection method: clinical testing. Allele origin: germline.
Comment: In summary, the available evidence is currently insufficient to determine the role of this variant in disease. Therefore, it has been classified as a Variant of Uncertain Significance. Algorithms developed to predict the effect of missense changes on protein structure and function are either unavailable or do not agree on the potential impact of this missense change (SIFT: "Tolerated"; PolyPhen-2: "Probably Damaging"; Align-GVGD: "Class C0"). This variant has not been reported in the literature in individuals affected with SYNE2-related conditions. This variant is not present in population databases (gnomAD no frequency). This sequence change replaces leucine, which is neutral and non-polar, with valine, which is neutral and non-polar, at codon 4248 of the SYNE2 protein (p.Leu4248Val).

NM_182914.3(SYNE2):c.12742C>G (p.Leu4248Val)

Gene: SYNE2 (spectrin repeat containing nuclear envelope protein 2; plus strand). Cytogenetic location: 14q23.2.
Variant type: single nucleotide variant.
Coding change: c.12742C>G on transcript NM_182914.3 (MANE Select); coding-DNA position 12742, C replaced by G.
Protein change: p.Leu4248Val; replaces leucine 4248 with valine.
Molecular consequence: missense variant.
Genome position (GRCh38, 1-based): chr14:64,113,473, C>G. VCF-style: chr14-64113473-C-G. GRCh37 (hg19) VCF-style: chr14-64580191-C-G.
Other names: c.12742C>G, p.Leu4248Val (NM_015180.6); short protein forms L4248V.
Identifiers: ClinVar variation 2126303 (VCV002126303.4), dbSNP rs2549033973, ClinGen allele CA389958486.